The following is an entry in ClinVar:

ClinVar aggregate classification (germline): Likely benign. Review status: criteria provided, multiple submitters, no conflicts (2 of 4 stars). 5 submissions from 5 submitters: Likely benign (3). 2 of the submissions do not count toward it. Last evaluated 2024-10-15.

Conditions:
SCAPER-related disorder. Also called: SCAPER-related condition.
Inborn genetic diseases. Identifiers: MedGen C0950123, MeSH D030342.
Retinal dystrophy. Also called: Inherited retinal dystrophy. Identifiers: Orphanet 71862, MedGen C0854723, MeSH D058499, MONDO:0019118, HP:0000556.

Allele frequency attached by ClinVar (database versions not stated): ESP Exome Variant Server 0.00058; 1000 Genomes Project 0.00060; 1000 Genomes Project 30x 0.00062; ExAC 0.00070; gnomAD 0.00080; TOPMed 0.00096.
gnomAD v4.1: 1,446 of 1,576,566 alleles (0.092%); highest among the groups gnomAD compares: Admixed American, 0.13%; 1 homozygote.

Submissions (5):

Blueprint Genetics
Classification: Likely benign. Last evaluated: 2024-10-15. Review status: criteria provided, single submitter. Criteria: ACMG Guidelines, 2015. Collection method: clinical testing. Allele origin: germline.

CeGaT Center for Human Genetics Tuebingen
Classification: Likely benign. Last evaluated: 2023-01-01. Review status: criteria provided, single submitter. Criteria: CeGaT Center For Human Genetics Tuebingen Variant Classification Criteria Version 2. Collection method: clinical testing. Allele origin: germline. Affected: yes. Observed: 1 variant allele.
Comment: SCAPER: BP4

Ambry Genetics
Classification: Likely benign for Inborn genetic diseases. Last evaluated: 2021-12-20. Review status: criteria provided, single submitter. Criteria: Ambry Variant Classification Scheme 2023. Collection method: clinical testing. Allele origin: germline.

PreventionGenetics, part of Exact Sciences
Classification: Likely benign for SCAPER-related condition. Last evaluated: 2024-07-24. Review status: no assertion criteria provided. Collection method: clinical testing. Allele origin: germline. Not counted in ClinVar's aggregate classification.
Comment: This variant is classified as likely benign based on ACMG/AMP sequence variant interpretation guidelines (Richards et al. 2015 PMID: 25741868, with internal and published modifications).

Institute of Human Genetics, Univ. Regensburg, Univ. Regensburg
Classification: Uncertain significance for Retinal dystrophy. Last evaluated: 2022-01-01. Review status: no assertion criteria provided. Criteria: ACMG Guidelines, 2015. Collection method: clinical testing. Allele origin: germline. Affected: yes. Not counted in ClinVar's aggregate classification.

NM_020843.4(SCAPER):c.3468G>A (p.Arg1156=)

Gene: SCAPER (S-phase cyclin A associated protein in the ER; minus strand). Cytogenetic location: 15q24.3.
Variant type: single nucleotide variant.
Coding change: c.3468G>A on transcript NM_020843.4 (MANE Select); coding-DNA position 3468, G replaced by A.
Protein change: p.Arg1156=; no amino-acid change (arginine 1156 retained).
Molecular consequence: synonymous variant. On other transcripts: non-coding transcript variant (1).
Genome position (GRCh38, 1-based): chr15:76,381,615, C>T on the plus strand (G>A on the coding strand, the complement: SCAPER is on the minus strand). VCF-style: chr15-76381615-C-T. GRCh37 (hg19) VCF-style: chr15-76673956-C-T.
Other names: c.2730G>A, p.Arg910= (NM_001145923.2); c.3486G>A, p.Arg1162= (NM_001353009.2); c.3066G>A, p.Arg1022= (NM_001353010.2, NM_001353012.2); c.3084G>A, p.Arg1028= (NM_001353011.2); c.3486G>A (NM_001353009.1).
Identifiers: ClinVar variation 2399837 (VCV002399837.28), dbSNP rs199859385, ClinGen allele CA7674418.
Genomic context (GRCh38, chr15:76,381,615, plus strand): 5'-CTGAAGAGCAGCTGTCAGCCCTGTGGGATCCTGGCGATTATTGTCAAATATGCTGTATGA[C>T]CTGACAAAGAAACATTCAGTTCTTTGAGAAAAACTACTTAATGGATGTTAGCAATTTGTA-3'
Protein context (NP_065894.2, residues 1146-1166): MCTLCFAVTG[Arg1156=]SYSIFDNNRQ